The following is an entry in ClinVar:

NC_000019.9:g.(?_11071705)_(11152237_11168930)dup

Gene: SMARCA4 (SWI/SNF related BAF chromatin remodeling complex subunit ATPase 4; plus strand). Cytogenetic location: 19p13.2.
Variant type: Duplication.
Identifiers: ClinVar variation 3629633 (VCV003629633.1).

ClinVar aggregate classification (germline): Uncertain significance (1 of 4 stars; one submission).

Submission:

Women's Health and Genetics/Laboratory Corporation of America, LabCorp
Classification: Uncertain significance. Last evaluated: 2024-11-14. Review status: criteria provided, single submitter. Criteria: LabCorp Variant Classification Summary - May 2015. Collection method: clinical testing. Allele origin: germline.
Comment: Variant summary: The variant involves the duplication of exons 1-31 in the SMARCA4 gene. A presumed nomenclature of c.(?_-177)_(4520+1_4521-1)dup has been designated for the purposes of this classification. The exact breakpoint at the 5' end of this variant is unknown, therefore this duplication may extend upstream of the annotated region of this gene. It is predicted to duplicate a segment including the initiation codon (which is located in exon 2), therefore its impact on the encoded protein is unknown. The variant was absent in 120696 control chromosomes in the gnomAD database (Structural Variants v4.1 dataset). The available data on variant occurrences in the general population are insufficient to allow any conclusion about variant significance. To our knowledge, no occurrence of c.(?_-177)_(4520+1_4521-1)dup in individuals affected with Coffin-Siris Syndrome and no experimental evidence demonstrating its impact on protein function have been reported. ClinVar contains an entry for a similar variant (Variation ID: 1410202). Based on the evidence outlined above, the variant was classified as uncertain significance.